The following is an entry in ClinVar:

ClinVar aggregate classification (germline): Uncertain significance (1 of 4 stars; one submission).

Allele frequency attached by ClinVar (database versions not stated): gnomAD exomes below 0.00001.
gnomAD v4.1: 1 of 1,567,074 alleles (0.000064%); highest among the groups gnomAD compares: Non-Finnish European, 0.000087%; no homozygotes.

Submission:

GeneDx
Classification: Uncertain significance. Last evaluated: 2019-07-03. Review status: criteria provided, single submitter. Criteria: GeneDx Variant Classification Process June 2021. Collection method: clinical testing. Allele origin: germline. Affected: yes.
Comment: Not observed in large population cohorts (Lek et al., 2016); In silico analysis, which includes protein predictors and evolutionary conservation, supports a deleterious effect; Has not been previously published as pathogenic or benign to our knowledge

NM_152743.4(BRAT1):c.350C>G (p.Pro117Arg)

Gene: BRAT1 (BRCA1 associated ATM activator 1; minus strand). Cytogenetic location: 7p22.3.
Variant type: single nucleotide variant.
Coding change: c.350C>G on transcript NM_152743.4 (MANE Select); coding-DNA position 350, C replaced by G.
Protein change: p.Pro117Arg; replaces proline 117 with arginine.
Molecular consequence: missense variant. On other transcripts: non-coding transcript variant (1), intron variant (1).
Genome position (GRCh38, 1-based): chr7:2,544,989, G>C on the plus strand (C>G on the coding strand, the complement: BRAT1 is on the minus strand). VCF-style: chr7-2544989-G-C. GRCh37 (hg19) VCF-style: chr7-2584623-G-C.
Other names: c.350C>G, p.Pro117Arg (NM_001350626.2); c.-95-1027C>G (NM_001350627.2); short protein forms P117R.
Identifiers: ClinVar variation 1302332 (VCV001302332.2), dbSNP rs2128399658, ClinGen allele CA366632911.